The following is an entry in ClinVar:

NM_015378.4(VPS13D):c.10043C>T (p.Pro3348Leu)

Gene: VPS13D (vacuolar protein sorting 13 homolog D; plus strand). Cytogenetic location: 1p36.22.
Variant type: single nucleotide variant.
Coding change: c.10043C>T on transcript NM_015378.4 (MANE Select); coding-DNA position 10043, C replaced by T.
Protein change: p.Pro3348Leu; replaces proline 3348 with leucine.
Molecular consequence: missense variant.
Genome position (GRCh38, 1-based): chr1:12,358,503, C>T. VCF-style: chr1-12358503-C-T. GRCh37 (hg19) VCF-style: chr1-12418559-C-T.
Other names: c.9968C>T, p.Pro3323Leu (NM_018156.4); short protein forms P3323L, P3348L.
Identifiers: ClinVar variation 3364521 (VCV003364521.1).

ClinVar aggregate classification (germline): Uncertain significance (1 of 4 stars; one submission).

gnomAD v4.1: 2 of 1,614,022 alleles (0.00012%); highest among the groups gnomAD compares: Admixed American, 0.0017%; no homozygotes.

Submission:

GeneDx
Classification: Uncertain significance. Last evaluated: 2023-11-22. Review status: criteria provided, single submitter. Criteria: GeneDx Variant Classification Process June 2021. Collection method: clinical testing. Allele origin: germline. Affected: yes.
Comment: Not observed at significant frequency in large population cohorts (gnomAD); In silico analysis supports that this missense variant has a deleterious effect on protein structure/function; Has not been previously published as pathogenic or benign to our knowledge